The following is an entry in ClinVar:

NM_000038.6(APC):c.5922C>G (p.Asp1974Glu)

Gene: APC (APC regulator of Wnt signaling pathway; plus strand). Cytogenetic location: 5q22.2.
Variant type: single nucleotide variant.
Coding change: c.5922C>G on transcript NM_000038.6 (MANE Select); coding-DNA position 5922, C replaced by G.
Protein change: p.Asp1974Glu; replaces aspartic acid 1974 with glutamic acid.
Molecular consequence: missense variant.
Genome position (GRCh38, 1-based): chr5:112,841,516, C>G. VCF-style: chr5-112841516-C-G. GRCh37 (hg19) VCF-style: chr5-112177213-C-G.
Other names: c.5922C>G, p.Asp1974Glu (NM_001127510.3, NM_001354895.2); c.5868C>G, p.Asp1956Glu (NM_001127511.3); c.5976C>G, p.Asp1992Glu (NM_001354896.2); c.5952C>G, p.Asp1984Glu (NM_001354897.2); c.5847C>G, p.Asp1949Glu (NM_001354898.2); c.5838C>G, p.Asp1946Glu (NM_001354899.2); c.5799C>G, p.Asp1933Glu (NM_001354900.2); c.5745C>G, p.Asp1915Glu (NM_001354901.2); and 6 more; short protein forms D1974E, D1992E, D1848E, D1883E, D1915E, D1946E, D1956E, D1984E.
Identifiers: ClinVar variation 1371820 (VCV001371820.7), dbSNP rs1057522700, ClinGen allele CA16034287.

ClinVar aggregate classification (germline): Uncertain significance. Review status: criteria provided, multiple submitters, no conflicts (2 of 4 stars). 2 submissions from 2 submitters: Uncertain significance (2). Last evaluated 2025-04-22.

Conditions:
Hereditary cancer-predisposing syndrome. Also called: Neoplastic Syndromes, Hereditary; Tumor predisposition; Hereditary neoplastic syndrome; Hereditary Cancer Syndrome. Identifiers: Orphanet 140162, MedGen C0027672, MeSH D009386, MONDO:0015356.
Familial adenomatous polyposis 1 (FAP1). Also called: FAMILIAL ADENOMATOUS POLYPOSIS 1, ATTENUATED; POLYPOSIS, ADENOMATOUS INTESTINAL. Identifiers: MedGen C2713442, MONDO:0021056, OMIM 175100. Disease mechanism: loss of function.

Submissions (2):

Ambry Genetics
Classification: Uncertain significance for Hereditary cancer-predisposing syndrome. Last evaluated: 2025-04-22. Review status: criteria provided, single submitter. Criteria: Ambry Variant Classification Scheme 2023. Collection method: clinical testing. Allele origin: germline.
Comment: The p.D1974E variant (also known as c.5922C>G), located in coding exon 15 of the APC gene, results from a C to G substitution at nucleotide position 5922. The aspartic acid at codon 1974 is replaced by glutamic acid, an amino acid with highly similar properties. This amino acid position is highly conserved in available vertebrate species. In addition, in silico predictors for this gene do not accurately predict pathogenicity. Missense alterations in APC are not a common cause of disease (Spier I et al. Genet Med. 2024 Feb;26(2):100992). Based on the available evidence, the clinical significance of this variant remains unclear.

Labcorp Genetics (formerly Invitae), Labcorp
Classification: Uncertain significance for Familial adenomatous polyposis 1. Last evaluated: 2024-03-28. Review status: criteria provided, single submitter. Criteria: Invitae Variant Classification Sherloc (09022015). Collection method: clinical testing. Allele origin: germline.
Comment: This sequence change replaces aspartic acid, which is acidic and polar, with glutamic acid, which is acidic and polar, at codon 1974 of the APC protein (p.Asp1974Glu). This variant is not present in population databases (gnomAD no frequency). This variant has not been reported in the literature in individuals affected with APC-related conditions. ClinVar contains an entry for this variant (Variation ID: 1371820). Advanced modeling of protein sequence and biophysical properties (such as structural, functional, and spatial information, amino acid conservation, physicochemical variation, residue mobility, and thermodynamic stability) performed at Invitae indicates that this missense variant is not expected to disrupt APC protein function with a negative predictive value of 95%. In summary, the available evidence is currently insufficient to determine the role of this variant in disease. Therefore, it has been classified as a Variant of Uncertain Significance.